The following is an entry in ClinVar:

ClinVar aggregate classification (germline): Uncertain significance. Review status: criteria provided, multiple submitters, no conflicts (2 of 4 stars). 3 submissions from 3 submitters: Uncertain significance (3). Last evaluated 2024-09-25.

Conditions:
Inborn genetic diseases. Identifiers: MedGen C0950123, MeSH D030342.

Allele frequency attached by ClinVar (database versions not stated): gnomAD 0.00021; TOPMed 0.00021.
gnomAD v4.1: 312 of 1,456,990 alleles (0.021%); highest among the groups gnomAD compares: Non-Finnish European, 0.027%; no homozygotes.

Submissions (3):

Mayo Clinic Laboratories, Mayo Clinic
Classification: Uncertain significance. Last evaluated: 2024-09-25. Review status: criteria provided, single submitter. Criteria: ACMG Guidelines, 2015. Collection method: clinical testing. Allele origin: germline. Observed: 1 variant allele.
Comment: BP4

Ambry Genetics
Classification: Uncertain significance for Inborn genetic diseases. Last evaluated: 2024-05-20. Review status: criteria provided, single submitter. Criteria: Ambry Variant Classification Scheme 2023. Collection method: clinical testing. Allele origin: germline.

Blueprint Genetics
Classification: Uncertain significance. Last evaluated: 2023-12-18. Review status: criteria provided, single submitter. Criteria: ACMG Guidelines, 2015. Collection method: clinical testing. Allele origin: germline.

NM_001163809.2(WDR81):c.17G>C (p.Gly6Ala)

Gene: WDR81 (WD repeat domain 81; plus strand). Cytogenetic location: 17p13.3.
Variant type: single nucleotide variant.
Coding change: c.17G>C on transcript NM_001163809.2 (MANE Select); coding-DNA position 17, G replaced by C.
Protein change: p.Gly6Ala; replaces glycine 6 with alanine.
Molecular consequence: missense variant. On other transcripts: intron variant (3).
Genome position (GRCh38, 1-based): chr17:1,724,976, G>C. VCF-style: chr17-1724976-G-C. GRCh37 (hg19) VCF-style: chr17-1628270-G-C.
Other names: p.Gly6Ala; c.-123-3014G>C (NM_152348.4); c.59-5404G>C (NM_001163673.2); c.-15+190G>C (NM_001163811.2); short protein forms G6A.
Identifiers: ClinVar variation 2345695 (VCV002345695.5), dbSNP rs879770324, ClinGen allele CA286867620.
Genomic context (GRCh38, chr17:1,724,976, plus strand): 5'-TGGCTGGGCTCAGCCCCGCGCTGCCCCCGGGCGGCCTGGAGGAGATGGCCCAGGGCAGCG[G>C]GGGGCGGGAAGGCGCTCTCAGAACCCCGGCCGGGGGCTGGCATTCCCCGCCAAGCCCAGA-3'
Protein context (NP_001157281.1, residues 1-16): MAQGS[Gly6Ala]GREGALRTPA